The following is an entry in ClinVar:

ClinVar aggregate classification (germline): Pathogenic (1 of 4 stars; one submission).

Conditions:
Growth hormone insensitivity with immune dysregulation 1, autosomal recessive. Also called: GROWTH HORMONE INSENSITIVITY SYNDROME WITH IMMUNE DYSREGULATION 1, AUTOSOMAL RECESSIVE; GROWTH HORMONE INSENSITIVITY DUE TO POSTRECEPTOR DEFECT; LARON SYNDROME DUE TO POSTRECEPTOR DEFECT; Laron syndrome with immunodeficiency. Identifiers: Orphanet 220465, MedGen C5435698, MONDO:0100211, OMIM 245590.

Submission:

Labcorp Genetics (formerly Invitae), Labcorp
Classification: Pathogenic for Growth hormone insensitivity with immune dysregulation 1, autosomal recessive. Last evaluated: 2021-05-27. Review status: criteria provided, single submitter. Criteria: Invitae Variant Classification Sherloc (09022015). Collection method: clinical testing. Allele origin: germline.
Comment: This sequence change creates a premature translational stop signal (p.Gln337*) in the STAT5B gene. It is expected to result in an absent or disrupted protein product. Loss-of-function variants in STAT5B are known to be pathogenic (PMID: 15827093). This variant is not present in population databases (ExAC no frequency). This variant has not been reported in the literature in individuals with STAT5B-related conditions. For these reasons, this variant has been classified as Pathogenic.

Literature cited by the submitters: PubMed 15827093.

NM_012448.4(STAT5B):c.1009C>T (p.Gln337Ter)

Gene: STAT5B (signal transducer and activator of transcription 5B; minus strand). Cytogenetic location: 17q21.2.
Variant type: single nucleotide variant.
Coding change: c.1009C>T on transcript NM_012448.4 (MANE Select); coding-DNA position 1009, C replaced by T.
Protein change: p.Gln337Ter; replaces glutamine 337 with a stop codon.
Molecular consequence: nonsense.
Genome position (GRCh38, 1-based): chr17:42,218,311, G>A on the plus strand (C>T on the coding strand, the complement: STAT5B is on the minus strand). VCF-style: chr17-42218311-G-A. GRCh37 (hg19) VCF-style: chr17-40370329-G-A.
Other names: short protein forms Q337*.
Identifiers: ClinVar variation 1453821 (VCV001453821.6), dbSNP rs2080191165, ClinGen allele CA399585783.